The following is an entry in ClinVar:

NM_012309.5(SHANK2):c.2505G>A (p.Pro835=)

Gene: SHANK2 (SH3 and multiple ankyrin repeat domains 2; minus strand). Cytogenetic location: 11q13.3.
Variant type: single nucleotide variant.
Coding change: c.2505G>A on transcript NM_012309.5 (MANE Select); coding-DNA position 2505, G replaced by A.
Protein change: p.Pro835=; no amino-acid change (proline 835 retained).
Molecular consequence: synonymous variant. On other transcripts: non-coding transcript variant (1).
Genome position (GRCh38, 1-based): chr11:70,490,322, C>T on the plus strand (G>A on the coding strand, the complement: SHANK2 is on the minus strand). VCF-style: chr11-70490322-C-T. GRCh37 (hg19) VCF-style: chr11-70336427-C-T.
Other names: c.1368G>A, p.Pro456= (NM_001379226.1); c.741G>A, p.Pro247= (NM_133266.5).
Identifiers: ClinVar variation 436717 (VCV000436717.10), dbSNP rs147781276, ClinGen allele CA6161319.

ClinVar aggregate classification (germline): Conflicting classifications of pathogenicity. Review status: criteria provided, conflicting classifications (1 of 4 stars). 2 submissions from 2 submitters: Uncertain significance (1); Likely benign (1). Last evaluated 2026-03-01.

Allele frequency attached by ClinVar (database versions not stated): gnomAD exomes 0.00007; ExAC 0.00011; ESP Exome Variant Server 0.00015; TOPMed 0.00022; gnomAD 0.00026 and 0.00027; 1000 Genomes Project 0.00060; 1000 Genomes Project 30x 0.00062.
gnomAD v4.1: 76 of 1,614,236 alleles (0.0047%); highest among the groups gnomAD compares: African/African-American, 0.075%; no homozygotes.

Submissions (2):

CeGaT Center for Human Genetics Tuebingen
Classification: Likely benign. Last evaluated: 2026-03-01. Review status: criteria provided, single submitter. Criteria: CeGaT Center For Human Genetics Tuebingen Variant Classification Criteria Version 2. Collection method: clinical testing. Allele origin: germline. Affected: yes. Observed: 1 variant allele.
Comment: SHANK2: BP4, BP7

Genetic Services Laboratory, University of Chicago
Classification: Uncertain significance. Last evaluated: 2016-02-12. Review status: criteria provided, single submitter. Criteria: ACMG Guidelines, 2015. Collection method: clinical testing. Allele origin: germline. Affected: no.